The following is an entry in ClinVar:

NM_001130009.3(GEN1):c.1624G>C (p.Glu542Gln)

Gene: GEN1 (GEN1 Holliday junction 5' flap endonuclease; plus strand). Cytogenetic location: 2p24.2.
Variant type: single nucleotide variant.
Coding change: c.1624G>C on transcript NM_001130009.3 (MANE Select); coding-DNA position 1624, G replaced by C.
Protein change: p.Glu542Gln; replaces glutamic acid 542 with glutamine.
Molecular consequence: missense variant.
Genome position (GRCh38, 1-based): chr2:17,780,836, G>C. VCF-style: chr2-17780836-G-C. GRCh37 (hg19) VCF-style: chr2-17962103-G-C.
Other names: c.1624G>C, p.Glu542Gln (NM_182625.5); short protein forms E542Q.
Identifiers: ClinVar variation 4262978 (VCV004262978.1).

ClinVar aggregate classification (germline): Uncertain significance (1 of 4 stars; one submission).

Submission:

Ambry Genetics
Classification: Uncertain significance. Last evaluated: 2025-06-15. Review status: criteria provided, single submitter. Criteria: Ambry Variant Classification Scheme 2023. Collection method: clinical testing. Allele origin: germline.
Comment: The p.E542Q variant (also known as c.1624G>C), located in coding exon 13 of the GEN1 gene, results from a G to C substitution at nucleotide position 1624. The glutamic acid at codon 542 is replaced by glutamine, an amino acid with highly similar properties. This amino acid position is conserved. In addition, this alteration is predicted to be tolerated by in silico analysis. Based on the available evidence, the clinical significance of this variant remains unclear.